The following is an entry in ClinVar:

ClinVar aggregate classification (germline): Benign/Likely benign. Review status: criteria provided, multiple submitters, no conflicts (2 of 4 stars). 8 submissions from 8 submitters: Benign (4); Likely benign (2). 2 of the submissions do not count toward it. Last evaluated 2026-02-04.

Conditions:
Familial cold autoinflammatory syndrome 3 (FCAS3). Also called: FAMILIAL ATYPICAL COLD URTICARIA; ANTIBODY DEFICIENCY AND IMMUNE DYSREGULATION, PLCG2-ASSOCIATED. Identifiers: Orphanet 300359, MedGen C3280914, MONDO:0013766, OMIM 614468.

Allele frequency attached by ClinVar (database versions not stated): 1000 Genomes Project 30x 0.01265; 1000 Genomes Project 0.01278; TOPMed 0.02450; gnomAD exomes 0.02534 and 0.03190; ExAC 0.02537; ESP Exome Variant Server 0.02564; gnomAD 0.02590 and 0.02717.
gnomAD v4.1: 50,441 of 1,613,968 alleles (3.1%); highest among the groups gnomAD compares: Non-Finnish European, 3.6%; 939 homozygotes.

Submissions (8):

Labcorp Genetics (formerly Invitae), Labcorp
Classification: Benign for Familial cold autoinflammatory syndrome 3. Last evaluated: 2026-02-04. Review status: criteria provided, single submitter. Criteria: Invitae Variant Classification Sherloc (09022015). Collection method: clinical testing. Allele origin: germline.

Women's Health and Genetics/Laboratory Corporation of America, LabCorp
Classification: Likely benign. Last evaluated: 2026-01-22. Review status: criteria provided, single submitter. Criteria: LabCorp Variant Classification Summary - May 2015. Collection method: clinical testing. Allele origin: germline.

ARUP Laboratories, Molecular Genetics and Genomics, ARUP Laboratories
Classification: Benign. Last evaluated: 2024-12-16. Review status: criteria provided, single submitter. Criteria: ARUP Molecular Germline Variant Investigation Process 2024. Collection method: clinical testing. Allele origin: germline.

Blueprint Genetics
Classification: Likely benign. Last evaluated: 2024-11-27. Review status: criteria provided, single submitter. Criteria: ACMG Guidelines, 2015. Collection method: clinical testing. Allele origin: germline.

Mayo Clinic Laboratories, Mayo Clinic
Classification: Benign. Last evaluated: 2024-06-19. Review status: criteria provided, single submitter. Criteria: ACMG Guidelines, 2015. Collection method: clinical testing. Allele origin: germline. Observed: 93 variant alleles.
Comment: BS1, BS2, BP4

Breakthrough Genomics
Classification: Benign. Review status: criteria provided, single submitter. Criteria: ACMG Guidelines, 2015. Collection method: not provided. Allele origin: germline. Inheritance: Autosomal dominant inheritance. Affected: yes.

Genome Diagnostics Laboratory, University Medical Center Utrecht
Classification: Benign. Review status: no assertion criteria provided. Collection method: clinical testing. Allele origin: germline. Affected: yes. Study: VKGL Data-share Consensus. Not counted in ClinVar's aggregate classification.

Joint Genome Diagnostic Labs from Nijmegen and Maastricht, Radboudumc and MUMC+
Classification: Benign. Review status: no assertion criteria provided. Collection method: clinical testing. Allele origin: germline. Affected: yes. Study: VKGL Data-share Consensus. Not counted in ClinVar's aggregate classification.

NM_002661.5(PLCG2):c.731A>G (p.His244Arg)

Gene: PLCG2 (phospholipase C gamma 2; plus strand). Cytogenetic location: 16q23.3.
Variant type: single nucleotide variant.
Coding change: c.731A>G on transcript NM_002661.5 (MANE Select); coding-DNA position 731, A replaced by G.
Protein change: p.His244Arg; replaces histidine 244 with arginine.
Molecular consequence: missense variant.
Genome position (GRCh38, 1-based): chr16:81,883,307, A>G. VCF-style: chr16-81883307-A-G. GRCh37 (hg19) VCF-style: chr16-81916912-A-G.
Other names: short protein forms H244R.
Identifiers: ClinVar variation 472903 (VCV000472903.31), dbSNP rs11548656, ClinGen allele CA8193405.